The following is an entry in ClinVar:

NM_014141.6(CNTNAP2):c.3559A>G (p.Ile1187Val)

Gene: CNTNAP2 (contactin associated protein 2; plus strand). Cytogenetic location: 7q36.1.
Variant type: single nucleotide variant.
Coding change: c.3559A>G on transcript NM_014141.6 (MANE Select); coding-DNA position 3559, A replaced by G.
Protein change: p.Ile1187Val; replaces isoleucine 1187 with valine.
Molecular consequence: missense variant.
Genome position (GRCh38, 1-based): chr7:148,383,732, A>G. VCF-style: chr7-148383732-A-G. GRCh37 (hg19) VCF-style: chr7-148080824-A-G.
Other names: short protein forms I1187V.
Identifiers: ClinVar variation 373611 (VCV000373611.1), dbSNP rs764899392, ClinGen allele CA4546696.

ClinVar aggregate classification (germline): Uncertain significance (1 of 4 stars; one submission).

Allele frequency attached by ClinVar (database versions not stated): TOPMed 0.00003 and 0.00005; gnomAD exomes below 0.00001; ExAC 0.00001; gnomAD 0.00001.
gnomAD v4.1: 3 of 1,614,066 alleles (0.00019%); highest among the groups gnomAD compares: African/African-American, 0.0027%; no homozygotes.

Submission:

GeneDx
Classification: Uncertain significance. Last evaluated: 2016-12-01. Review status: criteria provided, single submitter. Criteria: GeneDx Variant Classification (06012015). Collection method: clinical testing. Allele origin: germline. Affected: yes.
Comment: A variant of uncertain significance has been identified in the CNTNAP2 gene. The I1187V variant has not been published as a pathogenic variant, nor has it been reported as a benign variant to our knowledge. The I1187V variant is not observed at a significant frequency in large population cohorts (Lek et al., 2016; 1000 Genomes Consortium et al., 2015; Exome Variant Server). The I1187V variant is a conservative amino acid substitution, which is not likely to impact secondary protein structure as these residues share similar properties. This substitution occurs at a position that is not conserved, and in silico analysis predicts this variant likely does not alter the protein structure/function. Based on the currently available information, it is unclear whether this variant is a pathogenic variant or a rare benign variant.